The following is an entry in ClinVar:

ClinVar aggregate classification (germline): Uncertain significance (1 of 4 stars; one submission).

Conditions:
Neuroblastoma, susceptibility to, 3. Also called: ALK-Related Neuroblastic Tumor Susceptibility. Identifiers: Orphanet 635, MedGen C2751681, MONDO:0013083, OMIM 613014.

Submission:

Labcorp Genetics (formerly Invitae), Labcorp
Classification: Uncertain significance for Neuroblastoma, susceptibility to, 3. Last evaluated: 2020-11-10. Review status: criteria provided, single submitter. Criteria: Invitae Variant Classification Sherloc (09022015). Collection method: clinical testing. Allele origin: germline.
Comment: In summary, the available evidence is currently insufficient to determine the role of this variant in disease. Therefore, it has been classified as a Variant of Uncertain Significance. This sequence change creates a premature translational stop signal (p.Glu182*) in the ALK gene. It is expected to result in an absent or disrupted protein product. However, the current clinical and genetic evidence is not sufficient to establish whether loss-of-function variants in ALK cause disease. This variant is not present in population databases (ExAC no frequency). This variant has not been reported in the literature in individuals with ALK-related conditions.

NM_004304.5(ALK):c.544G>T (p.Glu182Ter)

Gene: ALK (ALK receptor tyrosine kinase; minus strand). Cytogenetic location: 2p23.1.
Variant type: single nucleotide variant.
Coding change: c.544G>T on transcript NM_004304.5 (MANE Select); coding-DNA position 544, G replaced by T.
Protein change: p.Glu182Ter; replaces glutamic acid 182 with a stop codon.
Molecular consequence: nonsense.
Genome position (GRCh38, 1-based): chr2:29,920,116, C>A on the plus strand (G>T on the coding strand, the complement: ALK is on the minus strand). VCF-style: chr2-29920116-C-A. GRCh37 (hg19) VCF-style: chr2-30142982-C-A.
Other names: short protein forms E182*.
Identifiers: ClinVar variation 1387549 (VCV001387549.6), dbSNP rs1229550831, ClinGen allele CA346589827.